The following is an entry in ClinVar:

GRCh38/hg38 11q25(chr11:131885779-135064169)x1

Genes: ACAD8 (acyl-CoA dehydrogenase family member 8; plus strand), B3GAT1 (beta-1,3-glucuronyltransferase 1; minus strand), B3GAT1-DT (B3GAT1 divergent transcript; plus strand), GLB1L2 (galactosidase beta 1 like 2; plus strand), GLB1L3 (galactosidase beta 1 like 3; plus strand) and 78 more. Cytogenetic location: 11q25.
Variant type: copy number loss.
Change: copy number 1 (one copy instead of two) of chr11:131,885,779-135,064,169 (3.18 Mb, GRCh38 coordinates, 1-based), cytogenetic band 11q25.
Identifiers: ClinVar variation 4852074 (VCV004852074.1).

ClinVar aggregate classification (germline): Likely pathogenic (1 of 4 stars; one submission).

Submission:

Clinical Genomics Laboratory, Laboratory for Precision Diagnostics, University of Washington
Classification: Likely pathogenic. Last evaluated: 2022-12-09. Review status: criteria provided, single submitter. Criteria: ACMG/ClinGen CNV Guidelines, 2019. Collection method: clinical testing. Allele origin: maternal. Affected: yes. Observed: 1 variant allele.
Comment: This deletion is approximately 3.2 Mb in size and contains 12 protein-coding genes, including JAM3, NCAPD3, and ACAD8. Three people with similar deletions have been described in the medical literature (PMID:17935251, PMID:20520618, PMID:20459802).

Literature cited by the submitters: PubMed 17935251; PubMed 20520618; PubMed 20459802.